The following is an entry in ClinVar:

ClinVar aggregate classification (germline): Pathogenic/Likely pathogenic. Review status: criteria provided, multiple submitters, no conflicts (2 of 4 stars). 13 submissions from 13 submitters: Pathogenic (10); Likely pathogenic (1). 2 of the submissions do not count toward it. Last evaluated 2026-08-28.

Conditions:
Mitochondrial complex IV deficiency, nuclear type 11. Also called: Mitochondrial complex 4 deficiency, nuclear type 11. Identifiers: MedGen C5436694, MONDO:0033645, OMIM 619054.
Mitochondrial disease. Also called: Mitochondrial disorder; Mitochondrial disorders. Identifiers: Orphanet 68380, MedGen C0751651, MeSH D028361, MONDO:0044970.
COX20-related disorders.
Inborn genetic diseases. Identifiers: MedGen C0950123, MeSH D030342.
Possible mitochondrial disorder - nuclear genes.
COX20-related disorder. Also called: COX20-related condition.

Allele frequency attached by ClinVar (database versions not stated): gnomAD 0.00004 and 0.00005; 1000 Genomes Project 30x 0.00031.
gnomAD v4.1: 107 of 1,228,692 alleles (0.0087%); highest among the groups gnomAD compares: East Asian, 0.048%; no homozygotes.

Submissions (13):

Genetics Laboratory, Great Ormond Street Hospital NHS Foundation Trust, North Thames Genomic Laboratory Hub
Classification: Likely pathogenic for Possible mitochondrial disorder - nuclear genes. Last evaluated: 2026-08-28. Review status: criteria provided, single submitter. Criteria: ACGS Best Practice Guidelines for Variant Classification in Rare Disease 2024 v1.2. Collection method: clinical testing. Allele origin: germline. Affected: yes.
Comment: PM2_moderate, PVS1_strong, PM3_moderate

Labcorp Genetics (formerly Invitae), Labcorp
Classification: Pathogenic. Last evaluated: 2026-02-01. Review status: criteria provided, single submitter. Criteria: Invitae Variant Classification Sherloc (09022015). Collection method: clinical testing. Allele origin: germline.
Comment: This sequence change replaces lysine, which is basic and polar, with arginine, which is basic and polar, at codon 14 of the COX20 protein (p.Lys14Arg). This variant is present in population databases (no rsID available, gnomAD 0.006%). This missense change has been observed in individuals with COX20-related neurological disorder (PMID: 30656193, 31079202, 33751098). It has also been observed to segregate with disease in related individuals. ClinVar contains an entry for this variant (Variation ID: 383938). An algorithm developed to predict the effect of missense changes on protein structure and function (PolyPhen-2) suggests that this variant is likely to be tolerated. Studies have shown that this missense change is associated with altered splicing resulting in multiple RNA products (PMID: 33751098). For these reasons, this variant has been classified as Pathogenic.

Medical and Scientific Branch, Hong Kong Genome Institute
Classification: Pathogenic for Mitochondrial complex IV deficiency, nuclear type 11. Last evaluated: 2025-10-11. Review status: criteria provided, single submitter. Criteria: ACMG Guidelines, 2015. Collection method: clinical testing. Allele origin: germline. Affected: yes.

PreventionGenetics, part of Exact Sciences
Classification: Pathogenic for COX20-related condition. Last evaluated: 2025-05-12. Review status: criteria provided, single submitter. Criteria: ACMG Guidelines, 2015. Collection method: clinical testing. Allele origin: germline.
Comment: The COX20 c.41A>G variant is predicted to result in the amino acid substitution p.Lys14Arg. This variant is located near the end of exon 1 and splicing prediction programs predict a splicing defect at the consensus splice site (Alamut Visual Plus v.1.6.1). This variant has been reported in the compound heterozygous and homozygous states in multiple individuals with sensory neuropathy and has been documented as a founder variant in the eastern Chinese Han population (Otero et al. 2019. PubMed ID: 30656193; Dong et al. 2021. PubMed ID: 33751098). Functional analysis showed that the variant disrupted proper splicing and lead to decreased protein expression (Otero et al. 2019. PubMed ID: 30656193; Dong et al. 2021. PubMed ID: 33751098). This variant is reported in 0.0054% of alleles in individuals of European (Non-Finnish) descent in gnomAD. This variant is interpreted as pathogenic.

Variantyx, Inc.
Classification: Pathogenic for Mitochondrial complex IV deficiency, nuclear type 11. Last evaluated: 2025-04-29. Review status: criteria provided, single submitter. Criteria: Variantyx Assertion Criteria 2022. Collection method: clinical testing. Allele origin: germline. Inheritance: Autosomal recessive inheritance. Affected: no.
Comment: This is a nonsynonymous variant in the COX20 gene (OMIM: 614698). Pathogenic variants in this gene have been associated with autosomal recessive mitochondrial complex IV deficiency nuclear type 11 (MC4DN11). Functional studies have shown that this variant alters splicing and is expected to result in loss of function, which is a known disease mechanism for COX20 in this disorder (PMID: 33751098, 30656193, 35651336) (PVS1). This variant has been identified in the homozygous or compound heterozygous state in at least 4 individuals reported in the published literature (PMID: 33751098, 31079202, 30656193), (PM3). and has been observed to segregate with disease in at least 2 individuals from 2 families (PMID: 30656193, 31079202) (PP1). This variant has a 0.0480% maximum allele frequency in non-founder control populations (PM2). Based on the current evidence, this variant is classified as pathogenic for autosomal recessive mitochondrial complex IV deficiency nuclear type 11 (MC4DN11).

Victorian Clinical Genetics Services, Murdoch Childrens Research Institute
Classification: Pathogenic for Mitochondrial complex IV deficiency, nuclear type 11. Last evaluated: 2024-10-09. Review status: criteria provided, single submitter. Criteria: ACMG Guidelines, 2015. Collection method: clinical testing. Allele origin: germline. Inheritance: Autosomal recessive inheritance. Affected: yes.
Comment: Based on the classification scheme VCGS_Germline_v1.3.5, this variant is classified as Pathogenic. Following criteria are met: 0102 - Loss of function is a known mechanism of disease in this gene and is associated with mitochondrial complex IV deficiency, nuclear type 11 (MIM#619054). (I) 0106 - This gene is associated with autosomal recessive disease. (I) 0115 - Variants in this gene are known to have variable expressivity (OMIM). (I) 0210 - Splice site variant proven to affect splicing of the transcript with a known effect on protein sequence. This missense variant within a splice region results in a frameshift and a premature termination codon. The resulting RNA transcript is unstable and results in reduced protein as demonstrated in patient cells (PMID: 33751098). (SP) 0251 - This variant is heterozygous. (I) 0304 - Variant is present in gnomAD (v4) <0.01 for a recessive condition (107 heterozygotes, 0 homozygotes). (SP) 0309 - An alternative nucleotide change to cysteine at the same position has been observed in gnomAD (v4; 1 heterozygote, 0 homozygotes). (I) 0801 - This variant has strong previous evidence of pathogenicity in unrelated individuals. This variant has been classified as pathogenic by multiple clinical diagnostic laboratories and has been reported in multiple affected compound heterozygous and homozygous individuals (ClinVar, PMIDs: 30656193, 33751098). (SP) 1208 - Inheritance information for this variant is not currently available in this individual. (I) Legend: (SP) - Supporting pathogenic, (I) - Information, (SB) - Supporting benign

Ambry Genetics
Classification: Pathogenic for Inborn genetic diseases. Last evaluated: 2024-03-05. Review status: criteria provided, single submitter. Criteria: Ambry Variant Classification Scheme 2023. Collection method: clinical testing. Allele origin: germline.
Comment: The c.41A>G (p.K14R) alteration is located in exon 1 (coding exon 1) of the COX20 gene. This alteration results from an A to G substitution at nucleotide position 41, causing the lysine (K) at amino acid position 14 to be replaced by an arginine (R). Based on data from gnomAD, the G allele has an overall frequency of 0.002% (1/41838) total alleles studied. The highest observed frequency was 0.005% (1/18582) of European (non-Finnish) alleles. This variant has been identified in the homozygous state and in trans with another COX20 variant in individuals with features consistent with COX20-related mitochondrial complex IV deficiency (Chen, 2023; Li, 2022; Ban, 2022; Dong, 2021; Xu, 2019; Otero, 2018). This nucleotide position is highly conserved in available vertebrate species. RNA studies show that this variant causes abnormal splicing (Dong, 2021; Ban, 2022; Li, 2022). Expression and functional studies show significantly decreased levels of COX20 protein as well as reduced enzyme activity and oxygen consumption rate (Otero, 2018; Xu, 2019; Dong, 2021). This missense variant is predicted to be tolerated by in silico analysis. In silico splice site analysis predicts that this nucleotide substitution will weaken the native splice donor site. Based on the available evidence, this alteration is classified as pathogenic.

GeneDx
Classification: Pathogenic. Last evaluated: 2023-09-25. Review status: criteria provided, single submitter. Criteria: GeneDx Variant Classification Process June 2021. Collection method: clinical testing. Allele origin: germline. Affected: yes.
Comment: Identified in the compound heterozygous state in a patient with sensory-dominant axonal neuropathy and static encephalopathy; discussed that this presentation may represent an expansion of the COX20-related disorders phenotype, but additional studies are warranted (Xu et al., 2019); Published functional studies demonstrate this variant affects the splicing of exon one (Otero et al., 2019); In silico analysis supports that this missense variant does not alter protein structure/function; Not observed at significant frequency in large population cohorts (gnomAD); In silico analysis supports a deleterious effect on splicing; This variant is associated with the following publications: (PMID: 30656193, 32606554, 33751098, 31079202, 35598585, 35651336, 36136859)

Blueprint Genetics
Classification: Pathogenic for COX20-related disorders. Last evaluated: 2023-04-14. Review status: criteria provided, single submitter. Criteria: ACMG Guidelines, 2015. Collection method: clinical testing. Allele origin: germline. Affected: yes. Observed: 5 variant alleles.

Undiagnosed Diseases Network, NIH
Classification: Pathogenic for Mitochondrial complex IV deficiency, nuclear type 11. Last evaluated: 2020-12-18. Review status: criteria provided, single submitter. Criteria: ACMG Guidelines, 2015. Collection method: clinical testing. Allele origin: paternal. Inheritance: Autosomal recessive inheritance. Affected: yes. Observed: 1 variant allele, 1 compound heterozygote. Study: Undiagnosed Diseases Network (NIH), UDN.

Juno Genomics, Hangzhou Juno Genomics, Inc
Classification: Pathogenic for Mitochondrial complex IV deficiency, nuclear type 11. Review status: criteria provided, single submitter. Criteria: ACMG Guidelines, 2015. Collection method: clinical testing. Allele origin: germline. Affected: yes.
Comment: Absent from controls (or at extremely low frequency if recessive) in Genome Aggregation Database.;Null variant in a gene where loss of function (LOF) is a known mechanism of disease.;For recessive disorders, detected in trans with a pathogenic variant.;Co-segregation with disease in multiple affected family members.

OMIM
Classification: Pathogenic for MITOCHONDRIAL COMPLEX IV DEFICIENCY, NUCLEAR TYPE 11. Last evaluated: 2023-04-06. Review status: no assertion criteria provided. Collection method: literature only. Allele origin: germline. Not counted in ClinVar's aggregate classification.

Department of Pathology and Laboratory Medicine, Sinai Health System
Classification: Uncertain significance for mitochondrial disease. Last evaluated: 2021-12-22. Review status: flagged submission. Criteria: ACMG Guidelines, 2015. Collection method: research. Allele origin: germline. Not counted in ClinVar's aggregate classification.
ClinVar note: Reason: Older and outlier claim with insufficient supporting evidence

Literature cited by the submitters: PubMed 30656193 (cited by 5 submitters); PubMed 31079202 (cited by 4 submitters); PubMed 33751098 (cited by 5 submitters); PubMed 35651336 (cited by Variantyx, Inc. and Ambry Genetics); PubMed 36136859 (cited by Ambry Genetics and OMIM); PubMed 37095481 (cited by Ambry Genetics).

NM_198076.6(COX20):c.41A>G (p.Lys14Arg)

Genes: COX20 (cytochrome c oxidase assembly factor COX20; plus strand), LOC129932912 (ATAC-STARR-seq lymphoblastoid silent region 2019; plus strand). Cytogenetic location: 1q44.
Variant type: single nucleotide variant.
Coding change: c.41A>G on transcript NM_198076.6 (MANE Select); coding-DNA position 41, A replaced by G.
Protein change: p.Lys14Arg; replaces lysine 14 with arginine.
Molecular consequence: missense variant. On other transcripts: non-coding transcript variant (1), intron variant (1).
Genome position (GRCh38, 1-based): chr1:244,835,755, A>G. VCF-style: chr1-244835755-A-G. GRCh37 (hg19) VCF-style: chr1-244999057-A-G.
Other names: c.41A>G, p.Lys14Arg (NM_001312871.1, NM_001312872.1, NM_001312874.1); c.22+19A>G (NM_001312873.1); short protein forms K14R.
Identifiers: ClinVar variation 383938 (VCV000383938.26), dbSNP rs1057521790, ClinGen allele CA16603677.